The following is an entry in ClinVar:

ClinVar aggregate classification (germline): Uncertain significance. Review status: criteria provided, multiple submitters, no conflicts (2 of 4 stars). 2 submissions from 2 submitters: Uncertain significance (2). Last evaluated 2024-11-09.

Allele frequency attached by ClinVar (database versions not stated): ExAC 0.00001; gnomAD 0.00001; gnomAD exomes 0.00001; TOPMed 0.00001.
gnomAD v4.1: 3 of 1,614,030 alleles (0.00019%); highest among the groups gnomAD compares: Admixed American, 0.005%; no homozygotes.

Submissions (2):

Labcorp Genetics (formerly Invitae), Labcorp
Classification: Uncertain significance. Last evaluated: 2024-11-09. Review status: criteria provided, single submitter. Criteria: Invitae Variant Classification Sherloc (09022015). Collection method: clinical testing. Allele origin: germline.
Comment: This sequence change replaces glycine, which is neutral and non-polar, with tryptophan, which is neutral and slightly polar, at codon 1222 of the COL11A2 protein (p.Gly1222Trp). This variant is present in population databases (rs770599645, gnomAD 0.009%). This variant has not been reported in the literature in individuals affected with COL11A2-related conditions. ClinVar contains an entry for this variant (Variation ID: 1412301). Invitae Evidence Modeling of protein sequence and biophysical properties (such as structural, functional, and spatial information, amino acid conservation, physicochemical variation, residue mobility, and thermodynamic stability) indicates that this missense variant is expected to disrupt COL11A2 protein function with a positive predictive value of 95%. In summary, the available evidence is currently insufficient to determine the role of this variant in disease. Therefore, it has been classified as a Variant of Uncertain Significance.

Blueprint Genetics
Classification: Uncertain significance. Last evaluated: 2022-11-15. Review status: criteria provided, single submitter. Criteria: ACMG Guidelines, 2015. Collection method: clinical testing. Allele origin: germline.

NM_080680.3(COL11A2):c.3664G>T (p.Gly1222Trp)

Gene: COL11A2 (collagen type XI alpha 2 chain; minus strand). Cytogenetic location: 6p21.32.
Variant type: single nucleotide variant.
Coding change: c.3664G>T on transcript NM_080680.3 (MANE Select); coding-DNA position 3664, G replaced by T.
Protein change: p.Gly1222Trp; replaces glycine 1222 with tryptophan.
Molecular consequence: missense variant.
Genome position (GRCh38, 1-based): chr6:33,169,857, C>A on the plus strand (G>T on the coding strand, the complement: COL11A2 is on the minus strand). VCF-style: chr6-33169857-C-A. GRCh37 (hg19) VCF-style: chr6-33137634-C-A.
Other names: c.3343G>T, p.Gly1115Trp (NM_080679.3); c.3406G>T, p.Gly1136Trp (NM_080681.3); short protein forms G1115W, G1136W, G1222W.
Identifiers: ClinVar variation 1412301 (VCV001412301.9), dbSNP rs770599645, ClinGen allele CA3750419.